The following is an entry in ClinVar:

ClinVar aggregate classification (germline): Pathogenic (0 of 4 stars; one submission).

Conditions:
Fanconi anemia complementation group A (FANCA). Also called: Fanconi anemia, group A; FANCA-Related Fanconi Anemia. Identifiers: Orphanet 84, MedGen C3469521, MONDO:0009215, OMIM 227650.

Submission:

Leiden Open Variation Database
Classification: Pathogenic for Fanconi anemia complementation group A. Last evaluated: 2020-02-28. Review status: no assertion criteria provided. Collection method: curation. Allele origin: germline. Affected: yes.
Comment: Curator: Arleen D. Auerbach. Submitter to LOVD: Johan de Winter.

Literature cited by the submitters: PubMed 17924555.

NM_000135.4(FANCA):c.2282T>A (p.Val761Glu)

Gene: FANCA (FA complementation group A; minus strand). Cytogenetic location: 16q24.3.
Variant type: single nucleotide variant.
Coding change: c.2282T>A on transcript NM_000135.4 (MANE Select); coding-DNA position 2282, T replaced by A.
Protein change: p.Val761Glu; replaces valine 761 with glutamic acid.
Molecular consequence: missense variant.
Genome position (GRCh38, 1-based): chr16:89,770,200, A>T on the plus strand (T>A on the coding strand, the complement: FANCA is on the minus strand). VCF-style: chr16-89770200-A-T. GRCh37 (hg19) VCF-style: chr16-89836608-A-T.
Other names: c.2282T>A, p.Val761Glu (NM_001286167.3); short protein forms V761E.
Identifiers: ClinVar variation 974027 (VCV000974027.1), dbSNP rs2039276663, ClinGen allele CA397445150.
Genomic context (GRCh38, chr16:89,770,200, plus strand): 5'-GTGGCCCCCATGAAGGAGAGCCTCACCTGGTGACGGAGCAGCTGGCAGAGCCGGGTGAGC[A>T]CTGCAGGGAGCACACGTCCACACATGGTCCTCACGAAGAGGGCAGCCCAGGGACCCTGCC-3'
Protein context (NP_000126.2, residues 751-771): RTMCGRVLPA[Val761Glu]LTRLCQLLRH